The following is an entry in ClinVar:

NM_004818.3(DDX23):c.620-2A>C

Gene: DDX23 (DEAD-box helicase 23; minus strand). Cytogenetic location: 12q13.12.
Variant type: single nucleotide variant.
Coding change: c.620-2A>C on transcript NM_004818.3 (MANE Select); the canonical splice acceptor site of the intron before coding-DNA position 620, A replaced by C.
Molecular consequence: splice acceptor variant.
Genome position (GRCh38, 1-based): chr12:48,837,659, T>G on the plus strand (A>C on the coding strand, the complement: DDX23 is on the minus strand). VCF-style: chr12-48837659-T-G. GRCh37 (hg19) VCF-style: chr12-49231442-T-G.
Identifiers: ClinVar variation 2574858 (VCV002574858.1), dbSNP rs111951299, ClinGen allele CA384679183.

ClinVar aggregate classification (germline): Uncertain significance (1 of 4 stars; one submission).

Submission:

GeneDx
Classification: Uncertain significance. Last evaluated: 2023-02-02. Review status: criteria provided, single submitter. Criteria: GeneDx Variant Classification Process June 2021. Collection method: clinical testing. Allele origin: germline. Affected: yes.
Comment: Not observed at significant frequency in large population cohorts (gnomAD); Canonical splice site variant in a gene or region of a gene for which loss of function is not a well-established mechanism of disease; Has not been previously published as pathogenic or benign to our knowledge